The following is an entry in ClinVar:

ClinVar aggregate classification (germline): Uncertain significance. Review status: criteria provided, multiple submitters, no conflicts (2 of 4 stars). 2 submissions from 2 submitters: Uncertain significance (2). Last evaluated 2023-01-29.

Conditions:
Duchenne muscular dystrophy (DMD). Also called: Duchenne Muscular Dystrophy (DMD); MUSCULAR DYSTROPHY, PSEUDOHYPERTROPHIC PROGRESSIVE, DUCHENNE TYPE. Identifiers: Orphanet 98896, MedGen C0013264, MONDO:0010679, OMIM 310200.

Submissions (2):

Labcorp Genetics (formerly Invitae), Labcorp
Classification: Uncertain significance for Duchenne muscular dystrophy. Last evaluated: 2023-01-29. Review status: criteria provided, single submitter. Criteria: Invitae Variant Classification Sherloc (09022015). Collection method: clinical testing. Allele origin: germline.
Comment: This variant is not present in population databases (gnomAD no frequency). This sequence change affects codon 237 of the DMD mRNA. It is a 'silent' change, meaning that it does not change the encoded amino acid sequence of the DMD protein. This variant has not been reported in the literature in individuals affected with DMD-related conditions. In summary, the available evidence is currently insufficient to determine the role of this variant in disease. Therefore, it has been classified as a Variant of Uncertain Significance. Algorithms developed to predict the effect of sequence changes on RNA splicing suggest that this variant may disrupt the consensus splice site. ClinVar contains an entry for this variant (Variation ID: 281861).

Eurofins Ntd Llc (ga)
Classification: Uncertain significance. Last evaluated: 2015-07-17. Review status: criteria provided, single submitter. Criteria: EGL Classification Definitions 2015. Collection method: clinical testing. Allele origin: germline. Observed: 1 variant allele, 1 hemizygote.

NM_004006.3(DMD):c.711A>G (p.Gln237=)

Gene: DMD (dystrophin; minus strand). Cytogenetic location: Xp21.1.
Variant type: single nucleotide variant.
Coding change: c.711A>G on transcript NM_004006.3 (MANE Select); coding-DNA position 711, A replaced by G.
Protein change: p.Gln237=; no amino-acid change (glutamine 237 retained).
Molecular consequence: synonymous variant.
Genome position (GRCh38, 1-based): chrX:32,699,232, T>C on the plus strand (A>G on the coding strand, the complement: DMD is on the minus strand). VCF-style: chrX-32699232-T-C. GRCh37 (hg19) VCF-style: chrX-32717349-T-C.
Other names: c.687A>G, p.Gln229= (NM_000109.4); c.699A>G, p.Gln233= (NM_004009.3); c.342A>G, p.Gln114= (NM_004010.3).
Identifiers: ClinVar variation 281861 (VCV000281861.8), dbSNP rs778632674, ClinGen allele CA10603985.